The following is an entry in ClinVar:

NM_000053.4(ATP7B):c.3700-3T>G

Gene: ATP7B (ATPase copper transporting beta; minus strand). Cytogenetic location: 13q14.3.
Variant type: single nucleotide variant.
Coding change: c.3700-3T>G on transcript NM_000053.4 (MANE Select); 3 bases into the intron before coding-DNA position 3700, T replaced by G.
Molecular consequence: intron variant.
Genome position (GRCh38, 1-based): chr13:51,937,682, A>C on the plus strand (T>G on the coding strand, the complement: ATP7B is on the minus strand). VCF-style: chr13-51937682-A-C. GRCh37 (hg19) VCF-style: chr13-52511818-A-C.
Other names: c.3367-3T>G (NM_001243182.2); c.3079-3T>G (NM_001005918.3); c.3448-3T>G (NM_001330579.2); c.3466-3T>G (NM_001330578.2).
Identifiers: ClinVar variation 1694704 (VCV001694704.31), dbSNP rs2138592787, ClinGen allele CA2580087719.
Genomic context (GRCh38, chr13:51,937,682, plus strand): 5'-GGACCTTGGCCACCTTGTGCGAAGGCAGCACCTCTGCAAAGACTTTGTTGATGCCAACCT[A>C]AGACAAAAGGAAGGCAATGCCTAGTGTTGGCAAAAGGTATCAGATAGCAGCAGAAACCTC-3'

ClinVar aggregate classification (germline): Uncertain significance (1 of 4 stars; one submission).

gnomAD v4.1: 1 of 1,614,152 alleles (0.000062%); highest among the groups gnomAD compares: Non-Finnish European, 0.000085%; no homozygotes.

Submission:

CeGaT Center for Human Genetics Tuebingen
Classification: Uncertain significance. Last evaluated: 2022-04-01. Review status: criteria provided, single submitter. Criteria: CeGaT Center For Human Genetics Tuebingen Variant Classification Criteria Version 2. Collection method: clinical testing. Allele origin: germline. Affected: yes. Observed: 1 variant allele.
Comment: ATP7B: PM2, PP3